The following is an entry in ClinVar:

ClinVar aggregate classification (germline): Uncertain significance (1 of 4 stars; one submission).

Conditions:
Walker-Warburg congenital muscular dystrophy. Also called: Muscular dystrophy-dystroglycanopathy, type A; Walker-Warburg syndrome. Identifiers: Orphanet 899, MedGen C0265221, MONDO:0000171.

Submission:

Labcorp Genetics (formerly Invitae), Labcorp
Classification: Uncertain significance for Walker-Warburg congenital muscular dystrophy. Last evaluated: 2023-09-12. Review status: criteria provided, single submitter. Criteria: Invitae Variant Classification Sherloc (09022015). Collection method: clinical testing. Allele origin: germline.
Comment: This sequence change creates a premature translational stop signal (p.Gln482*) in the FKRP gene. While this is not anticipated to result in nonsense mediated decay, it is expected to disrupt the last 14 amino acid(s) of the FKRP protein. This variant is not present in population databases (gnomAD no frequency). This variant has not been reported in the literature in individuals affected with FKRP-related conditions. ClinVar contains an entry for this variant (Variation ID: 2195842). This variant disrupts a region of the FKRP protein in which other variant(s) (p.Tyr483Cys) have been observed in individuals with FKRP-related conditions (PMID: 33200426). This suggests that this is a clinically significant region of the protein, and that variants that disrupt it are likely to be disease-causing. In summary, the available evidence is currently insufficient to determine the role of this variant in disease. Therefore, it has been classified as a Variant of Uncertain Significance.

Literature cited by the submitters: PubMed 33200426.

NM_024301.5(FKRP):c.1444C>T (p.Gln482Ter)

Gene: FKRP (fukutin related protein; plus strand). Cytogenetic location: 19q13.32.
Variant type: single nucleotide variant.
Coding change: c.1444C>T on transcript NM_024301.5 (MANE Select); coding-DNA position 1444, C replaced by T.
Protein change: p.Gln482Ter; replaces glutamine 482 with a stop codon.
Molecular consequence: nonsense.
Genome position (GRCh38, 1-based): chr19:46,756,894, C>T. VCF-style: chr19-46756894-C-T. GRCh37 (hg19) VCF-style: chr19-47260151-C-T.
Other names: c.1444C>T, p.Gln482Ter (NM_001039885.3); short protein forms Q482*.
Identifiers: ClinVar variation 2195842 (VCV002195842.4), dbSNP rs2514000497, ClinGen allele CA406497378.